The following is an entry in ClinVar:

NM_000098.3(CPT2):c.122C>A (p.Pro41His)

Genes: CPT2 (carnitine palmitoyltransferase 2; plus strand), LOC129930561 (ATAC-STARR-seq lymphoblastoid silent region 902; plus strand). Cytogenetic location: 1p32.3.
Variant type: single nucleotide variant.
Coding change: c.122C>A on transcript NM_000098.3 (MANE Select); coding-DNA position 122, C replaced by A.
Protein change: p.Pro41His; replaces proline 41 with histidine.
Molecular consequence: missense variant.
Genome position (GRCh38, 1-based): chr1:53,197,065, C>A. VCF-style: chr1-53197065-C-A. GRCh37 (hg19) VCF-style: chr1-53662737-C-A.
Other names: c.122C>A, p.Pro41His (NM_001330589.2); short protein forms P41H.
Identifiers: ClinVar variation 651955 (VCV000651955.9), dbSNP rs760976212, ClinGen allele CA340388790.

ClinVar aggregate classification (germline): Uncertain significance (1 of 4 stars; one submission).

Conditions:
Carnitine palmitoyltransferase II deficiency. Also called: Carnitine Palmitoyltransferase 2 Deficiency. Identifiers: Orphanet 157, MedGen C0342790, MONDO:0015515.

Submission:

Labcorp Genetics (formerly Invitae), Labcorp
Classification: Uncertain significance for Carnitine palmitoyltransferase II deficiency. Last evaluated: 2018-08-01. Review status: criteria provided, single submitter. Criteria: Invitae Variant Classification Sherloc (09022015). Collection method: clinical testing. Allele origin: germline.
Comment: This sequence change replaces proline with histidine at codon 41 of the CPT2 protein (p.Pro41His). The proline residue is highly conserved and there is a moderate physicochemical difference between proline and histidine. While this variant is not present in population databases, the frequency information is unreliable, as metrics indicate poor data quality at this position in the ExAC database. This variant has not been reported in the literature in individuals with CPT2-related disease. Algorithms developed to predict the effect of missense changes on protein structure and function are either unavailable or do not agree on the potential impact of this missense change (SIFT: "Deleterious"; PolyPhen-2: "Probably Damaging"; Align-GVGD: "Class C0"). In summary, the available evidence is currently insufficient to determine the role of this variant in disease. Therefore, it has been classified as a Variant of Uncertain Significance.